The following is an entry in ClinVar:

NM_000287.4(PEX6):c.573_882+237delinsTGGTCA

Gene: PEX6 (peroxisomal biogenesis factor 6; minus strand). Cytogenetic location: 6p21.1.
Variant type: Indel.
Coding change: c.573_882+237delinsTGGTCA on transcript NM_000287.4 (MANE Select); coding-DNA position 573 through 237 bases into the intron after coding-DNA position 882, the reference bases replaced by TGGTCA.
Molecular consequence: splice donor variant.
Genome position (GRCh38, 1-based): chr6:42,978,032-42,978,578, 547 bases replaced. GRCh37 (hg19): chr6:42,945,770-42,946,316.
Other names: c.573_618+501delinsTGGTCA (NM_001316313.2).
Identifiers: ClinVar variation 2847947 (VCV002847947.3), dbSNP rs2481273398, ClinGen allele CA2739273016.

ClinVar aggregate classification (germline): Pathogenic (1 of 4 stars; one submission).

Conditions:
Peroxisome biogenesis disorder. Identifiers: Orphanet 79189, MedGen C1832200, MONDO:0019234. Disease mechanism: loss of function.

Submission:

Labcorp Genetics (formerly Invitae), Labcorp
Classification: Pathogenic for Peroxisome biogenesis disorder. Last evaluated: 2023-03-20. Review status: criteria provided, single submitter. Criteria: Invitae Variant Classification Sherloc (09022015). Collection method: clinical testing. Allele origin: germline.
Comment: For these reasons, this variant has been classified as Pathogenic. This variant disrupts a region of the PEX6 protein in which other variant(s) (p.Pro274Leu) have been determined to be pathogenic (PMID: 15542397, 19877282, 24016303, 26387595). This suggests that this is a clinically significant region of the protein, and that variants that disrupt it are likely to be disease-causing. This variant has not been reported in the literature in individuals affected with PEX6-related conditions. This variant results in the deletion of part of exon 1 (c.573_882+237delinsTGGTCA) of the PEX6 gene. It is expected to disrupt RNA splicing. Variants that disrupt the donor or acceptor splice site typically lead to a loss of protein function (PMID: 16199547), and loss-of-function variants in PEX6 are known to be pathogenic (PMID: 8670792, 19877282, 21031596).

Literature cited by the submitters: PubMed 15542397; PubMed 19877282; PubMed 24016303; PubMed 26387595; PubMed 16199547; PubMed 8670792; PubMed 21031596.